The following is an entry in ClinVar:

NM_000143.4(FH):c.1520T>C (p.Leu507Pro)

Gene: FH (fumarate hydratase; minus strand). Cytogenetic location: 1q43.
Variant type: single nucleotide variant.
Coding change: c.1520T>C on transcript NM_000143.4 (MANE Select); coding-DNA position 1520, T replaced by C.
Protein change: p.Leu507Pro; replaces leucine 507 with proline.
Molecular consequence: missense variant.
Genome position (GRCh38, 1-based): chr1:241,497,841, A>G on the plus strand (T>C on the coding strand, the complement: FH is on the minus strand). VCF-style: chr1-241497841-A-G. GRCh37 (hg19) VCF-style: chr1-241661141-A-G.
Other names: short protein forms L507P.
Identifiers: ClinVar variation 501651 (VCV000501651.15), dbSNP rs1425094515, ClinGen allele CA345450002.
Genomic context (GRCh38, chr1:241,497,841, plus strand): 5'-TTTTTTAAATTTTATACATGTTTATTTTCATTATAAATTTATGTAAATCACTTTGGACCC[A>G]GCATGTCCTTAGGTTTTACCCATTCGTCAAACTGCTCTGCTGTGAGATAGCCAAGTTCGA-3'
Protein context (NP_000134.2, residues 497-510): FDEWVKPKDM[Leu507Pro]GPK

ClinVar aggregate classification (germline): Conflicting classifications of pathogenicity. Review status: criteria provided, conflicting classifications (1 of 4 stars). 4 submissions from 4 submitters: Pathogenic (1); Likely pathogenic (2); Uncertain significance (1). Last evaluated 2025-11-04.

Conditions:
Hereditary leiomyomatosis and renal cell cancer. Also called: FH tumor predisposition syndrome; Multiple cutaneous leiomyomas; MULTIPLE CUTANEOUS AND UTERINE LEIOMYOMATA 1, WITH OR WITHOUT RENAL CELL CARCINOMA; Reed syndrome; Multiple cutaneous and uterine leiomyomatosis; Cutaneous leiomyomata with uterine leiomyomata. Identifiers: Orphanet 523, MedGen C1708350, MONDO:0007888, OMIM 150800, HP:0007437. Disease mechanism: loss of function.
Hereditary cancer-predisposing syndrome. Also called: Tumor predisposition; Hereditary neoplastic syndrome; Hereditary Cancer Syndrome; Neoplastic Syndromes, Hereditary. Identifiers: Orphanet 140162, MedGen C0027672, MeSH D009386, MONDO:0015356.

gnomAD v4.1: 3 of 1,609,240 alleles (0.00019%); highest among the groups gnomAD compares: Non-Finnish European, 0.00025%; no homozygotes.

Submissions (4):

Labcorp Genetics (formerly Invitae), Labcorp
Classification: Pathogenic. Last evaluated: 2025-11-04. Review status: criteria provided, single submitter. Criteria: Invitae Variant Classification Sherloc (09022015). Collection method: clinical testing. Allele origin: germline.
Comment: This sequence change replaces leucine, which is neutral and non-polar, with proline, which is neutral and non-polar, at codon 507 of the FH protein (p.Leu507Pro). This variant is not present in population databases (gnomAD no frequency). This missense change has been observed in individual(s) with cutaneous and/or uterine leiomyomas (PMID: 12761039; internal data). It has also been observed to segregate with disease in related individuals. This variant is also known as L464P. ClinVar contains an entry for this variant (Variation ID: 501651). Invitae Evidence Modeling of protein sequence and biophysical properties (such as structural, functional, and spatial information, amino acid conservation, physicochemical variation, residue mobility, and thermodynamic stability) indicates that this missense variant is expected to disrupt FH protein function with a positive predictive value of 95%. For these reasons, this variant has been classified as Pathogenic.

Myriad Genetics, Inc.
Classification: Likely pathogenic for Hereditary leiomyomatosis and renal cell cancer. Last evaluated: 2023-05-05. Review status: criteria provided, single submitter. Criteria: Myriad Autosomal Dominant, Autosomal Recessive and X-Linked Classification Criteria (2023). Collection method: clinical testing. Allele origin: unknown.
Comment: This variant is considered likely pathogenic. This variant has been reported in multiple individuals with clinical features of gene-specific disease [PMID: 12761039, Myriad internal data]. Functional studies indicate this variant impacts protein function [PMID: 16237213]. This variant is expected to disrupt protein structure [Myriad internal data].

Ambry Genetics
Classification: Likely pathogenic for Hereditary cancer-predisposing syndrome. Last evaluated: 2022-10-18. Review status: criteria provided, single submitter. Criteria: Ambry Variant Classification Scheme 2023. Collection method: clinical testing. Allele origin: germline.
Comment: The p.L507P variant (also known as c.1520T>C), located in coding exon 10 of the FH gene, results from a T to C substitution at nucleotide position 1520. The leucine at codon 507 is replaced by proline, an amino acid with similar properties. This alteration was reported in the literature in a proband with multiple cutaneous leiomyomas and FH deficiency in lymphoplastoid cell lines (Alam NA et al. Hum Mol Genet. 2003 Jun;12(11):1241-52.; Alam NA et al. J Mol Diagn, 2005 Oct;7:437-43). In addition, this variant has been reported in other individuals with a personal and/or family history that is consistent with FH-related disease (Ambry internal data). This variant is considered to be rare based on population cohorts in the Genome Aggregation Database (gnomAD). This amino acid position is highly conserved in available vertebrate species. In addition, this alteration is predicted to be deleterious by in silico analysis. Based on the majority of available evidence to date, this variant is likely to be pathogenic.

Eurofins Ntd Llc (ga)
Classification: Uncertain significance. Last evaluated: 2017-05-09. Review status: criteria provided, single submitter. Criteria: EGL Classification Definitions 2015. Collection method: clinical testing. Allele origin: germline. Observed: 1 variant allele, 1 heterozygote.

Literature cited by the submitters: PubMed 12761039 (cited by 3 submitters); PubMed 16237213 (cited by Myriad Genetics, Inc. and Ambry Genetics); PubMed 21445611 (cited by Ambry Genetics).